The following is an entry in ClinVar:

NM_016239.4(MYO15A):c.1898_1899delinsAG (p.Pro633Gln)

Gene: MYO15A (myosin XVA; plus strand). Cytogenetic location: 17p11.2.
Variant type: Indel.
Coding change: c.1898_1899delinsAG on transcript NM_016239.4 (MANE Select); coding-DNA positions 1898 to 1899, CA replaced by AG.
Protein change: p.Pro633Gln; replaces proline 633 with glutamine.
Molecular consequence: missense variant.
Genome position (GRCh38, 1-based): chr17:18,120,698-18,120,699, CA replaced by AG. VCF-style: chr17-18120698-CA-AG. GRCh37 (hg19) VCF-style: chr17-18024012-CA-AG.
Other names: short protein forms P633Q.
Identifiers: ClinVar variation 1675265 (VCV001675265.2), dbSNP rs2142250157, ClinGen allele CA2573153127.

ClinVar aggregate classification (germline): Uncertain significance (1 of 4 stars; one submission).

Submission:

GeneDx
Classification: Uncertain significance. Last evaluated: 2022-03-29. Review status: criteria provided, single submitter. Criteria: GeneDx Variant Classification Process June 2021. Collection method: clinical testing. Allele origin: germline. Affected: yes.
Comment: Not observed in large population cohorts (gnomAD); In silico analysis supports that this variant does not alter protein structure/function; Has not been previously published as pathogenic or benign to our knowledge